The following is an entry in ClinVar:

NM_000059.4(BRCA2):c.4587dup (p.Lys1530fs)

Gene: BRCA2 (BRCA2 DNA repair associated; plus strand). Cytogenetic location: 13q13.1.
Variant type: Duplication.
Coding change: c.4587dup on transcript NM_000059.4 (MANE Select); coding-DNA position 4587, one base duplicated (G; older notation c.4587dupG).
Protein change: p.Lys1530fs; shifts the reading frame from lysine 1530.
Molecular consequence: frameshift variant.
Genome position (GRCh38, 1-based): chr13:32,338,942, G duplicated; the last of 3 consecutive G bases (chr13:32,338,940-32,338,942); duplicating any one gives the same sequence. VCF-style (leftmost placement, unchanged base first): chr13-32338939-C-CG. GRCh37 (hg19) VCF-style: chr13-32913076-C-CG.
Other names: c.4587dupG (NM_000059.3); c.4587_4588insG (NM_000059.3); short protein forms K1530fs.
Identifiers: ClinVar variation 216856 (VCV000216856.20), dbSNP rs745456776, ClinGen allele CA335811.
Genomic context (GRCh38, chr13:32,338,939, plus strand): 5'-ACAACCCGAACGTGATGAAAAGATCAAAGAACCTACTCTATTGGGTTTTCATACAGCTAG[C>CG]GGGAAAAAAGTTAAAATTGCAAAGGAATCTTTGGACAAAGTGAAAAACCTTTTTGATGAA-3'

ClinVar aggregate classification (germline): Pathogenic. Review status: reviewed by expert panel (3 of 4 stars). 8 submissions from 8 submitters: Pathogenic (1). 7 of the submissions do not count toward it. Last evaluated 2016-09-08.

Conditions:
Hereditary cancer-predisposing syndrome. Also called: Tumor predisposition; Hereditary neoplastic syndrome; Neoplastic Syndromes, Hereditary; Hereditary Cancer Syndrome. Identifiers: Orphanet 140162, MedGen C0027672, MeSH D009386, MONDO:0015356.
Hereditary breast ovarian cancer syndrome. Also called: Hereditary breast and/or ovarian cancer syndrome; Hereditary breast and ovarian cancer syndrome; Hereditary breast and ovarian cancer syndrome (HBOC); Hereditary breast and ovarian cancer; Breast and ovarian cancer; BRCA1- and BRCA2-Associated Hereditary Breast and Ovarian Cancer. Identifiers: Orphanet 145, MedGen C0677776, MeSH D061325, MONDO:0003582. Disease mechanism: loss of function.
Breast-ovarian cancer, familial, susceptibility to, 2 (BROVCA2). Also called: BRCA2 Hereditary Breast and Ovarian Cancer. Identifiers: Orphanet 145, MedGen C2675520, MONDO:0012933, OMIM 612555. Disease mechanism: loss of function.
Inherited ovarian cancer (without breast cancer).

Submissions (8):

Evidence-based Network for the Interpretation of Germline Mutant Alleles (ENIGMA)
Classification: Pathogenic for Breast-ovarian cancer, familial, susceptibility to, 2. Last evaluated: 2016-09-08. Review status: reviewed by expert panel. Criteria: ENIGMA BRCA1/2 Classification Criteria (2015). Collection method: curation. Allele origin: germline.
Comment: Variant allele predicted to encode a truncated non-functional protein.

Cambridge Genomics Laboratory, East Genomic Laboratory Hub, NHS Genomic Medicine Service
Classification: Pathogenic for Inherited ovarian cancer (without breast cancer). Last evaluated: 2026-06-09. Review status: criteria provided, single submitter. Criteria: ACGS Best Practice Guidelines for Variant Classification in Rare Disease 2020. Collection method: clinical testing. Allele origin: germline. Affected: yes. Not counted in ClinVar's aggregate classification.
Comment: PVS1,PM2,PM5_Strong

GeneDx
Classification: Pathogenic. Last evaluated: 2026-01-28. Review status: criteria provided, single submitter. Criteria: GeneDx Variant Classification Process June 2021. Collection method: clinical testing. Allele origin: germline. Affected: yes. Not counted in ClinVar's aggregate classification.
Comment: Frameshift variant predicted to result in protein truncation or nonsense mediated decay in a gene for which loss of function is a known mechanism of disease; Truncating variants in this gene are considered pathogenic by a well-established clinical consortium and/or database; Identified in an individual with family history of pancreatic cancer (PMID: 34399810); Not observed at significant frequency in large population cohorts (gnomAD); Also known as 4815dupG; This variant is associated with the following publications: (PMID: 40118241, 20104584, 26295337, 37461096, 34399810)

Labcorp Genetics (formerly Invitae), Labcorp
Classification: Pathogenic for Hereditary breast ovarian cancer syndrome. Last evaluated: 2025-08-11. Review status: criteria provided, single submitter. Criteria: Invitae Variant Classification Sherloc (09022015). Collection method: clinical testing. Allele origin: germline. Not counted in ClinVar's aggregate classification.
Comment: This sequence change creates a premature translational stop signal (p.Lys1530Glufs*4) in the BRCA2 gene. It is expected to result in an absent or disrupted protein product. Loss-of-function variants in BRCA2 are known to be pathogenic (PMID: 20104584). This variant is not present in population databases (gnomAD no frequency). This variant has not been reported in the literature in individuals affected with BRCA2-related conditions. ClinVar contains an entry for this variant (Variation ID: 216856). For these reasons, this variant has been classified as Pathogenic.

Ambry Genetics
Classification: Pathogenic for Hereditary cancer-predisposing syndrome. Last evaluated: 2025-04-28. Review status: criteria provided, single submitter. Criteria: Ambry Variant Classification Scheme 2023. Collection method: clinical testing. Allele origin: germline. Not counted in ClinVar's aggregate classification.
Comment: The c.4587dupG pathogenic mutation, located in coding exon 10 of the BRCA2 gene, results from a duplication of G at nucleotide position 4587, causing a translational frameshift with a predicted alternate stop codon (p.K1530Efs*4). This alteration was identified in a patient with a family history of pancreatic ductal adenocarcinoma (Murali K et al. Hered Cancer Clin Pract, 2021 Aug;19:33). This variant is considered to be rare based on population cohorts in the Genome Aggregation Database (gnomAD). In addition to the clinical data presented in the literature, this alteration is expected to result in loss of function by premature protein truncation or nonsense-mediated mRNA decay. As such, this alteration is interpreted as a disease-causing mutation.

KCCC/NGS Laboratory, Kuwait Cancer Control Center
Classification: Pathogenic for Breast-ovarian cancer, familial, susceptibility to, 2. Last evaluated: 2023-06-06. Review status: criteria provided, single submitter. Criteria: ACMG Guidelines, 2015. Collection method: clinical testing. Allele origin: germline. Affected: yes. Not counted in ClinVar's aggregate classification.
Comment: This sequence change creates a premature translational stop signal (p.Lys1530Glufs*4) in the BRCA2 gene. It is expected to result in an absent or disrupted protein product. This variant is not present in population databases (ExAC no frequency). ClinVar contains 5 entries for this variant (Variation ID: 216856) all of which interpret this variant as pathogenic. Loss-of-function variants in BRCA2 are known to be pathogenic (PMID: 20104584). Therefore, this variant has been classified as Pathogenic.

Women's Health and Genetics/Laboratory Corporation of America, LabCorp
Classification: Pathogenic for Hereditary breast ovarian cancer syndrome. Last evaluated: 2017-05-18. Review status: criteria provided, single submitter. Criteria: LabCorp Variant Classification Summary - May 2015. Collection method: clinical testing. Allele origin: germline. Not counted in ClinVar's aggregate classification.
Comment: Variant summary: The BRCA2 c.4587dupG (p.Lys1530Glufs) variant results in a premature termination codon, predicted to cause a truncated or absent BRCA2 protein due to nonsense mediated decay, which are commonly known mechanisms for disease. Truncations downstream of this position have been classified as pathogenic by our laboratory (e.g.c.4965C>G/p.Tyr1655X, c.5073dupA/p.Trp1692fs). One in silico tool predicts a damaging outcome for this variant. This variant is absent in 120446 control chromosomes from ExAC. In addition, multiple clinical diagnostic laboratories/reputable databases classified this variant as pathogenic. Taken together, this variant is classified as pathogenic.

Quest Diagnostics Nichols Institute San Juan Capistrano
Classification: Pathogenic. Last evaluated: 2015-07-23. Review status: criteria provided, single submitter. Criteria: Quest Diagnostics criteria. Collection method: clinical testing. Allele origin: unknown. Not counted in ClinVar's aggregate classification.
Comment: The BRCA2 c.4587dup (p.Lys1530Glufs*4) variant alters the translational reading frame of the BRCA2 mRNA and causes the premature termination of BRCA2 protein synthesis. This variant has not been reported in large, multi-ethnic general populations (Genome Aggregation Database). Based on the available information, this variant is classified as pathogenic.

Literature cited by the submitters: PubMed 20104584 (cited by Labcorp Genetics (formerly Invitae), Labcorp); PubMed 34399810 (cited by Ambry Genetics and Quest Diagnostics Nichols Institute San Juan Capistrano); PubMed 37461096 (cited by Quest Diagnostics Nichols Institute San Juan Capistrano); PubMed 26295337 (cited by Quest Diagnostics Nichols Institute San Juan Capistrano).